The following is an entry in ClinVar:

NM_206933.4(USH2A):c.15100A>G (p.Ser5034Gly)

Gene: USH2A (usherin; minus strand). Cytogenetic location: 1q41.
Variant type: single nucleotide variant.
Coding change: c.15100A>G on transcript NM_206933.4 (MANE Select); coding-DNA position 15100, A replaced by G.
Protein change: p.Ser5034Gly; replaces serine 5034 with glycine.
Molecular consequence: missense variant.
Genome position (GRCh38, 1-based): chr1:215,634,656, T>C on the plus strand (A>G on the coding strand, the complement: USH2A is on the minus strand). VCF-style: chr1-215634656-T-C. GRCh37 (hg19) VCF-style: chr1-215807998-T-C.
Other names: short protein forms S5034G.
Identifiers: ClinVar variation 3603015 (VCV003603015.1).
Genomic context (GRCh38, chr1:215,634,656, plus strand): 5'-AGATCAAGCCCAGCATCGCCATTAACACTATGAACCACAGCTCGCTGTAGAACTCTGTGC[T>C]TTTGCTCCGCGATCCCTTCTTTTTCCCAGGAGTTGTTAGGACCAAGCCTGCAAAACCCAG-3'
Protein context (NP_996816.3, residues 5024-5044): PGKKKGSRSK[Ser5034Gly]TEFYSELWFI

ClinVar aggregate classification (germline): Uncertain significance (1 of 4 stars; one submission).

gnomAD v4.1: 1 of 1,614,256 alleles (0.000062%); highest among the groups gnomAD compares: Non-Finnish European, 0.000085%; no homozygotes.

Submission:

GeneDx
Classification: Uncertain significance. Last evaluated: 2024-08-08. Review status: criteria provided, single submitter. Criteria: GeneDx Variant Classification Process June 2021. Collection method: clinical testing. Allele origin: germline. Affected: yes.
Comment: Not observed at significant frequency in large population cohorts (gnomAD); In silico analysis indicates that this missense variant does not alter protein structure/function; Has not been previously published as pathogenic or benign to our knowledge